The following is an entry in ClinVar:

NM_001042492.3(NF1):c.1174C>A (p.Gln392Lys)

Gene: NF1 (neurofibromin 1; plus strand). Cytogenetic location: 17q11.2.
Variant type: single nucleotide variant.
Coding change: c.1174C>A on transcript NM_001042492.3 (MANE Select); coding-DNA position 1174, C replaced by A.
Protein change: p.Gln392Lys; replaces glutamine 392 with lysine.
Molecular consequence: missense variant.
Genome position (GRCh38, 1-based): chr17:31,201,148, C>A. VCF-style: chr17-31201148-C-A. GRCh37 (hg19) VCF-style: chr17-29528166-C-A.
Other names: c.1174C>A, p.Gln392Lys (NM_000267.4, NM_001128147.3); short protein forms Q392K.
Identifiers: ClinVar variation 4027664 (VCV004027664.1).

ClinVar aggregate classification (germline): Uncertain significance (1 of 4 stars; one submission).

Conditions:
Cardiovascular phenotype. Identifiers: MedGen CN230736.
Hereditary cancer-predisposing syndrome. Also called: Tumor predisposition; Hereditary neoplastic syndrome; Neoplastic Syndromes, Hereditary; Hereditary Cancer Syndrome. Identifiers: Orphanet 140162, MedGen C0027672, MeSH D009386, MONDO:0015356.

Submission:

Ambry Genetics
Classification: Uncertain significance for Cardiovascular phenotype; Hereditary cancer-predisposing syndrome. Last evaluated: 2025-05-07. Review status: criteria provided, single submitter. Criteria: Ambry Variant Classification Scheme 2023. Collection method: clinical testing. Allele origin: germline.
Comment: The p.Q392K variant (also known as c.1174C>A), located in coding exon 10 of the NF1 gene, results from a C to A substitution at nucleotide position 1174. The glutamine at codon 392 is replaced by lysine, an amino acid with similar properties. This amino acid position is conserved. In addition, this alteration is predicted to be deleterious by in silico analysis. Based on the available evidence, the clinical significance of this variant remains unclear.